The following is an entry in ClinVar:

NM_001349338.3(FOXP1):c.1569T>G (p.Phe523Leu)

Gene: FOXP1 (forkhead box P1; minus strand). Cytogenetic location: 3p13.
Variant type: single nucleotide variant.
Coding change: c.1569T>G on transcript NM_001349338.3 (MANE Select); coding-DNA position 1569, T replaced by G.
Protein change: p.Phe523Leu; replaces phenylalanine 523 with leucine.
Molecular consequence: missense variant. On other transcripts: non-coding transcript variant (2), intron variant (1).
Genome position (GRCh38, 1-based): chr3:70,972,638, A>C on the plus strand (T>G on the coding strand, the complement: FOXP1 is on the minus strand). VCF-style: chr3-70972638-A-C. GRCh37 (hg19) VCF-style: chr3-71021789-A-C.
Other names: c.1566T>G, p.Phe522Leu (NM_001244808.3, NM_001349341.3); c.1341T>G, p.Phe447Leu (NM_001244812.3); c.1269T>G, p.Phe423Leu (NM_001244813.3, NM_001244815.2, NM_001349342.3); c.1569T>G, p.Phe523Leu (NM_001244814.3, NM_001244816.2, NM_001349340.3 and 1 more transcripts); c.1266T>G, p.Phe422Leu (NM_001349337.2, NM_001349343.3, NM_001349344.3 and 1 more transcripts); c.1531-458T>G (NM_001244810.2); short protein forms F423L, F523L, F522L, F422L, F447L.
Identifiers: ClinVar variation 3664645 (VCV003664645.2).

ClinVar aggregate classification (germline): Uncertain significance (1 of 4 stars; one submission).

Submission:

Labcorp Genetics (formerly Invitae), Labcorp
Classification: Uncertain significance. Last evaluated: 2025-05-21. Review status: criteria provided, single submitter. Criteria: Invitae Variant Classification Sherloc (09022015). Collection method: clinical testing. Allele origin: germline.
Comment: This sequence change replaces phenylalanine, which is neutral and non-polar, with leucine, which is neutral and non-polar, at codon 523 of the FOXP1 protein (p.Phe523Leu). This variant is not present in population databases (gnomAD no frequency). This variant has not been reported in the literature in individuals affected with FOXP1-related conditions. ClinVar contains an entry for this variant (Variation ID: 3664645). Invitae Evidence Modeling of protein sequence and biophysical properties (such as structural, functional, and spatial information, amino acid conservation, physicochemical variation, residue mobility, and thermodynamic stability) indicates that this missense variant is expected to disrupt FOXP1 protein function with a positive predictive value of 80%. In summary, the available evidence is currently insufficient to determine the role of this variant in disease. Therefore, it has been classified as a Variant of Uncertain Significance.